The following is an entry in ClinVar:

ClinVar aggregate classification (germline): Benign (0 of 4 stars; one submission).

Conditions:
CELSR1-related disorder. Also called: CELSR1-related condition.

Allele frequency attached by ClinVar (database versions not stated): gnomAD exomes 0.16639; ExAC 0.18569; 1000 Genomes Project 0.27496; 1000 Genomes Project 30x 0.28966; TOPMed 0.30974; ESP Exome Variant Server 0.31298.
gnomAD v4.1: 287,458 of 1,609,796 alleles (18%); highest among the groups gnomAD compares: African/African-American, 67%; 36,607 homozygotes.

Submission:

PreventionGenetics, part of Exact Sciences
Classification: Benign for CELSR1-related condition. Last evaluated: 2019-08-02. Review status: no assertion criteria provided. Collection method: clinical testing. Allele origin: germline.
Comment: This variant is classified as benign based on ACMG/AMP sequence variant interpretation guidelines (Richards et al. 2015 PMID: 25741868, with internal and published modifications).

NM_001378328.1(CELSR1):c.5984T>C (p.Leu1995Pro)

Gene: CELSR1 (cadherin EGF LAG seven-pass G-type receptor 1; minus strand). Cytogenetic location: 22q13.31.
Variant type: single nucleotide variant.
Coding change: c.5984T>C on transcript NM_001378328.1 (MANE Select); coding-DNA position 5984, T replaced by C.
Protein change: p.Leu1995Pro; replaces leucine 1995 with proline.
Molecular consequence: missense variant.
Genome position (GRCh38, 1-based): chr22:46,391,797, A>G on the plus strand (T>C on the coding strand, the complement: CELSR1 is on the minus strand). VCF-style: chr22-46391797-A-G. GRCh37 (hg19) VCF-style: chr22-46787694-A-G.
Other names: c.5984T>C, p.Leu1995Pro (NM_014246.4); short protein forms L1995P.
Identifiers: ClinVar variation 3057210 (VCV003057210.2), dbSNP rs6008794, ClinGen allele CA10293991.